The following is an entry in ClinVar:

ClinVar aggregate classification (germline): Benign/Likely benign. Review status: criteria provided, multiple submitters, no conflicts (2 of 4 stars). 3 submissions from 3 submitters: Benign (1); Likely benign (1). 1 of the submissions does not count toward it. Last evaluated 2026-01-26.

Conditions:
Cataract 33. Also called: CATARACT 33, CORTICAL. Identifiers: Orphanet 91492, MedGen C3808107, MONDO:0012665, OMIM 611391.
BFSP1-related disorder. Also called: BFSP1-related condition.

Allele frequency attached by ClinVar (database versions not stated): 1000 Genomes Project 30x 0.00156; 1000 Genomes Project 0.00160; ESP Exome Variant Server 0.00231; ExAC 0.00262; gnomAD exomes 0.00274 and 0.00312; gnomAD 0.00275 and 0.00285; TOPMed 0.00283.
gnomAD v4.1: 4,960 of 1,614,064 alleles (0.31%); highest among the groups gnomAD compares: Non-Finnish European, 0.36%; 5 homozygotes.

Submissions (4):

Labcorp Genetics (formerly Invitae), Labcorp
Classification: Benign for Cataract 33. Last evaluated: 2026-01-26. Review status: criteria provided, single submitter. Criteria: Invitae Variant Classification Sherloc (09022015). Collection method: clinical testing. Allele origin: germline.

GeneDx
Classification: Likely benign. Last evaluated: 2019-05-24. Review status: criteria provided, single submitter. Criteria: GeneDx Variant Classification Process June 2021. Collection method: clinical testing. Allele origin: germline. Affected: yes.

PreventionGenetics, part of Exact Sciences
Classification: Benign for BFSP1-related condition. Last evaluated: 2019-06-19. Review status: no assertion criteria provided. Collection method: clinical testing. Allele origin: germline. Not counted in ClinVar's aggregate classification.
Comment: This variant is classified as benign based on ACMG/AMP sequence variant interpretation guidelines (Richards et al. 2015 PMID: 25741868, with internal and published modifications).

Dr. Peter K. Rogan Lab, Western University
No classification provided (evidence only). Condition: Malignant tumor of urinary bladder. Review status: no classification provided. Collection method: in vitro. Allele origin: not applicable. Functional consequence: retained intron. Not counted in ClinVar's aggregate classification.

NM_001195.5(BFSP1):c.887C>T (p.Ala296Val)

Gene: BFSP1 (beaded filament structural protein 1; minus strand). Cytogenetic location: 20p12.1.
Variant type: single nucleotide variant.
Coding change: c.887C>T on transcript NM_001195.5 (MANE Select); coding-DNA position 887, C replaced by T.
Protein change: p.Ala296Val; replaces alanine 296 with valine.
Molecular consequence: missense variant.
Genome position (GRCh38, 1-based): chr20:17,498,889, G>A on the plus strand (C>T on the coding strand, the complement: BFSP1 is on the minus strand). VCF-style: chr20-17498889-G-A. GRCh37 (hg19) VCF-style: chr20-17479534-G-A.
Other names: c.512C>T, p.Ala171Val (NM_001161705.2); c.470C>T, p.Ala157Val (NM_001278606.2, NM_001278608.2); c.554C>T, p.Ala185Val (NM_001278607.2); short protein forms A296V, A171V, A185V, A157V.
Identifiers: ClinVar variation 698118 (VCV000698118.16), dbSNP rs142996076, ClinGen allele CA9772184.
Genomic context (GRCh38, chr20:17,498,889, plus strand): 5'-TCAATCTCGATGATACGATGATACCGGTCCAGCTCATTCTTCAGGGTTTGCTGGGCGACC[G>A]CCAGCTGCCGGCAGTCGTAAGAAGACTTCTCCAGGACCCGCTCTGTCTCCTCAATCTCCT-3'
Protein context (NP_001186.1, residues 286-306): EKSSYDCRQL[Ala296Val]VAQQTLKNEL